The following is an entry in ClinVar:

NM_020771.4(HACE1):c.231G>T (p.Ser77=)

Gene: HACE1 (HECT domain and ankyrin repeat containing E3 ubiquitin protein ligase 1; minus strand). Cytogenetic location: 6q16.3.
Variant type: single nucleotide variant.
Coding change: c.231G>T on transcript NM_020771.4 (MANE Select); coding-DNA position 231, G replaced by T.
Protein change: p.Ser77=; no amino-acid change (serine 77 retained).
Molecular consequence: synonymous variant. On other transcripts: 5 prime UTR variant (6), non-coding transcript variant (7).
Genome position (GRCh38, 1-based): chr6:104,849,237, C>A on the plus strand (G>T on the coding strand, the complement: HACE1 is on the minus strand). VCF-style: chr6-104849237-C-A. GRCh37 (hg19) VCF-style: chr6-105297112-C-A.
Other names: c.231G>T, p.Ser77= (NM_001321080.2, NM_001350555.2); c.129G>T, p.Ser43= (NM_001321083.2, NM_001350554.2); c.-191G>T (NM_001321084.2, NM_001350558.2); c.-180G>T (NM_001350556.2); c.-115G>T (NM_001350557.2); c.-137G>T (NM_001350559.2); c.-345G>T (NM_001350560.2).
Identifiers: ClinVar variation 723165 (VCV000723165.22), dbSNP rs200973354, ClinGen allele CA3940587.

ClinVar aggregate classification (germline): Benign. Review status: criteria provided, multiple submitters, no conflicts (2 of 4 stars). 2 submissions from 2 submitters: Benign (2). Last evaluated 2025-10-21.

Allele frequency attached by ClinVar (database versions not stated): TOPMed 0.00001; 1000 Genomes Project 30x 0.00297; 1000 Genomes Project 0.00319.
gnomAD v4.1: 1,380 of 1,579,590 alleles (0.087%); highest among the groups gnomAD compares: South Asian, 1.5%; 13 homozygotes.

Submissions (2):

Labcorp Genetics (formerly Invitae), Labcorp
Classification: Benign. Last evaluated: 2025-10-21. Review status: criteria provided, single submitter. Criteria: Invitae Variant Classification Sherloc (09022015). Collection method: clinical testing. Allele origin: germline.

CeGaT Center for Human Genetics Tuebingen
Classification: Benign. Last evaluated: 2024-10-01. Review status: criteria provided, single submitter. Criteria: CeGaT Center For Human Genetics Tuebingen Variant Classification Criteria Version 2. Collection method: clinical testing. Allele origin: germline. Affected: yes. Observed: 1 variant allele.
Comment: HACE1: BP4, BP7, BS1, BS2